The following is an entry in ClinVar:

NM_001605.3(AARS1):c.518A>G (p.Asp173Gly)

Gene: AARS1 (alanyl-tRNA synthetase 1; minus strand). Cytogenetic location: 16q22.1.
Variant type: single nucleotide variant.
Coding change: c.518A>G on transcript NM_001605.3 (MANE Select); coding-DNA position 518, A replaced by G.
Protein change: p.Asp173Gly; replaces aspartic acid 173 with glycine.
Molecular consequence: missense variant.
Genome position (GRCh38, 1-based): chr16:70,271,934, T>C on the plus strand (A>G on the coding strand, the complement: AARS1 is on the minus strand). VCF-style: chr16-70271934-T-C. GRCh37 (hg19) VCF-style: chr16-70305837-T-C.
Other names: short protein forms D173G.
Identifiers: ClinVar variation 245983 (VCV000245983.19), dbSNP rs765398055, ClinGen allele CA8141111.
Genomic context (GRCh38, chr16:70,271,934, plus strand): 5'-TCGTAGTGGATCTCACTGCAAGGACCACAGGGGCCCGTGTCACCCATCTCCCAGAAGTTA[T>C]CCTTCATGTTGCCTGGGAGGATTTTGGTGTCATCCAGCCTGACAAAGGAGTAAAGATAAG-3'
Protein context (NP_001596.2, residues 163-183): DTKILPGNMK[Asp173Gly]NFWEMGDTGP

ClinVar aggregate classification (germline): Conflicting classifications of pathogenicity. Review status: criteria provided, conflicting classifications (1 of 4 stars). 4 submissions from 4 submitters: Uncertain significance (3); Likely benign (1). Last evaluated 2025-11-05.

Conditions:
Charcot-Marie-Tooth disease type 2. Also called: Charcot-Marie-Tooth type 2. Identifiers: Orphanet 64746, MedGen C0270914, MONDO:0018993.
Inborn genetic diseases. Identifiers: MedGen C0950123, MeSH D030342.
Charcot-Marie-Tooth disease axonal type 2N (CMT2N). Also called: Charcot-Marie-Tooth Neuropathy Type 2N; CHARCOT-MARIE-TOOTH DISEASE, AXONAL, AUTOSOMAL DOMINANT, TYPE 2N; CHARCOT-MARIE-TOOTH NEUROPATHY, AXONAL, TYPE 2N. Identifiers: Orphanet 228174, MedGen C2750090, MONDO:0013212, OMIM 613287.

Allele frequency attached by ClinVar (database versions not stated): gnomAD 0.00003; gnomAD exomes 0.00006 and 0.00003; ExAC 0.00004; TOPMed 0.00004.
gnomAD v4.1: 54 of 1,614,006 alleles (0.0033%); highest among the groups gnomAD compares: Non-Finnish European, 0.00034%; no homozygotes.

Submissions (4):

Labcorp Genetics (formerly Invitae), Labcorp
Classification: Likely benign for Charcot-Marie-Tooth disease type 2. Last evaluated: 2025-11-05. Review status: criteria provided, single submitter. Criteria: Invitae Variant Classification Sherloc (09022015). Collection method: clinical testing. Allele origin: germline.

Ambry Genetics
Classification: Uncertain significance for Inborn genetic diseases. Last evaluated: 2023-03-10. Review status: criteria provided, single submitter. Criteria: Ambry Variant Classification Scheme 2023. Collection method: clinical testing. Allele origin: germline.
Comment: Unlikely to be causative of AARS-related Charcot-Marie-Tooth disease, type 2 (AD) Based on insufficient or conflicting evidence, the clinical significance of this alteration remains unclear.

GeneDx
Classification: Uncertain significance. Last evaluated: 2020-04-20. Review status: criteria provided, single submitter. Criteria: GeneDx Variant Classification Process June 2021. Collection method: clinical testing. Allele origin: germline. Affected: yes.
Comment: In-silico analyses, including protein predictors and evolutionary conservation, support a deleterious effect; Has not been previously published as pathogenic or benign to our knowledge

Illumina Laboratory Services, Illumina
Classification: Uncertain significance for Charcot-Marie-Tooth disease axonal type 2N. Last evaluated: 2018-01-12. Review status: criteria provided, single submitter. Criteria: ICSL Variant Classification Criteria 13 December 2019. Collection method: clinical testing. Allele origin: germline.